The following is an entry in ClinVar:

NM_004086.3(COCH):c.126G>C (p.Arg42Ser)

Genes: COCH (cochlin; plus strand), COCH-AS1 (COCH antisense RNA 1; minus strand). Cytogenetic location: 14q12.
Variant type: single nucleotide variant.
Coding change: c.126G>C on transcript NM_004086.3 (MANE Select); coding-DNA position 126, G replaced by C.
Protein change: p.Arg42Ser; replaces arginine 42 with serine.
Molecular consequence: missense variant.
Genome position (GRCh38, 1-based): chr14:30,877,615, G>C. VCF-style: chr14-30877615-G-C. GRCh37 (hg19) VCF-style: chr14-31346821-G-C.
Other names: c.126G>C, p.Arg42Ser (NM_001135058.2); c.321G>C, p.Arg107Ser (NM_001347720.2); short protein forms R107S, R42S.
Identifiers: ClinVar variation 1804573 (VCV001804573.4), dbSNP rs146115619, ClinGen allele CA7142938.

ClinVar aggregate classification (germline): Uncertain significance. Review status: criteria provided, multiple submitters, no conflicts (2 of 4 stars). 2 submissions from 2 submitters: Uncertain significance (2). Last evaluated 2023-02-14.

Allele frequency attached by ClinVar (database versions not stated): ESP Exome Variant Server 0.00008; gnomAD 0.00001.
gnomAD v4.1: 52 of 1,614,088 alleles (0.0032%); highest among the groups gnomAD compares: Non-Finnish European, 0.0042%; no homozygotes.

Submissions (2):

Labcorp Genetics (formerly Invitae), Labcorp
Classification: Uncertain significance. Last evaluated: 2023-02-14. Review status: criteria provided, single submitter. Criteria: Invitae Variant Classification Sherloc (09022015). Collection method: clinical testing. Allele origin: germline.
Comment: This variant is present in population databases (rs146115619, gnomAD 0.007%). This variant has not been reported in the literature in individuals affected with COCH-related conditions. ClinVar contains an entry for this variant (Variation ID: 1804573). Algorithms developed to predict the effect of missense changes on protein structure and function (SIFT, PolyPhen-2, Align-GVGD) all suggest that this variant is likely to be tolerated. In summary, the available evidence is currently insufficient to determine the role of this variant in disease. Therefore, it has been classified as a Variant of Uncertain Significance. This sequence change replaces arginine, which is basic and polar, with serine, which is neutral and polar, at codon 42 of the COCH protein (p.Arg42Ser).

GeneDx
Classification: Uncertain significance. Last evaluated: 2022-06-17. Review status: criteria provided, single submitter. Criteria: GeneDx Variant Classification Process June 2021. Collection method: clinical testing. Allele origin: germline. Affected: yes.
Comment: In silico analysis supports that this missense variant does not alter protein structure/function; Has not been previously published as pathogenic or benign to our knowledge